The following is an entry in ClinVar:

NM_031885.5(BBS2):c.-2T>G

Gene: BBS2 (Bardet-Biedl syndrome 2; minus strand). Cytogenetic location: 16q13.
Variant type: single nucleotide variant.
Coding change: c.-2T>G on transcript NM_031885.5 (MANE Select); 2 bases upstream of the start codon, T replaced by G.
Molecular consequence: 5 prime UTR variant. On other transcripts: non-coding transcript variant (5).
Genome position (GRCh38, 1-based): chr16:56,519,864, A>C on the plus strand (T>G on the coding strand, the complement: BBS2 is on the minus strand). VCF-style: chr16-56519864-A-C. GRCh37 (hg19) VCF-style: chr16-56553776-A-C.
Other names: c.-2T>G (NM_001377456.1).
Identifiers: ClinVar variation 1337986 (VCV001337986.9), dbSNP rs111296910, ClinGen allele CA8066156.

ClinVar aggregate classification (germline): Uncertain significance. Review status: criteria provided, multiple submitters, no conflicts (2 of 4 stars). 4 submissions from 4 submitters: Uncertain significance (3). 1 of the submissions does not count toward it. Last evaluated 2024-04-12.

Conditions:
Bardet-Biedl syndrome 2 (BBS2). Identifiers: Orphanet 110, MedGen C2936863, MONDO:0014432, OMIM 615981.
Retinitis pigmentosa 74 (RP74). Identifiers: Orphanet 791, MedGen C4225281, MONDO:0014692, OMIM 616562.
BBS2-related disorder. Also called: BBS2-related disorders; BBS2-related condition. Identifiers: MedGen CN239228.

Allele frequency attached by ClinVar (database versions not stated): gnomAD exomes 0.00008; ExAC 0.00013; gnomAD 0.00029; ESP Exome Variant Server 0.00031.

Submissions (4):

Fulgent Genetics
Classification: Uncertain significance for Bardet-Biedl syndrome 2; Retinitis pigmentosa 74. Last evaluated: 2024-04-12. Review status: criteria provided, single submitter. Criteria: ACMG Guidelines, 2015. Collection method: clinical testing. Allele origin: germline.

GeneDx
Classification: Uncertain significance. Last evaluated: 2023-08-28. Review status: criteria provided, single submitter. Criteria: GeneDx Variant Classification Process June 2021. Collection method: clinical testing. Allele origin: germline. Affected: yes.
Comment: Has not been previously published as pathogenic or benign to our knowledge

Genetic Services Laboratory, University of Chicago
Classification: Uncertain significance. Last evaluated: 2021-06-25. Review status: criteria provided, single submitter. Criteria: ACMG Guidelines, 2015. Collection method: clinical testing. Allele origin: germline. Affected: no.

PreventionGenetics, part of Exact Sciences
Classification: Likely benign for BBS2-related condition. Last evaluated: 2019-07-08. Review status: no assertion criteria provided. Collection method: clinical testing. Allele origin: germline. Not counted in ClinVar's aggregate classification.
Comment: This variant is classified as likely benign based on ACMG/AMP sequence variant interpretation guidelines (Richards et al. 2015 PMID: 25741868, with internal and published modifications).